The following is an entry in ClinVar:

ClinVar aggregate classification (germline): Uncertain significance (1 of 4 stars; one submission).

gnomAD v4.1: 2 of 1,613,680 alleles (0.00012%); highest among the groups gnomAD compares: East Asian, 0.0022%; no homozygotes.

Submission:

CeGaT Center for Human Genetics Tuebingen
Classification: Uncertain significance. Last evaluated: 2026-02-01. Review status: criteria provided, single submitter. Criteria: CeGaT Center For Human Genetics Tuebingen Variant Classification Criteria Version 2. Collection method: clinical testing. Allele origin: germline. Affected: yes. Observed: 1 variant allele.
Comment: GRM1: PM2, BP4

NM_001278064.2(GRM1):c.10C>T (p.Leu4Phe)

Gene: GRM1 (glutamate metabotropic receptor 1; plus strand). Cytogenetic location: 6q24.3.
Variant type: single nucleotide variant.
Coding change: c.10C>T on transcript NM_001278064.2 (MANE Select); coding-DNA position 10, C replaced by T.
Protein change: p.Leu4Phe; replaces leucine 4 with phenylalanine.
Molecular consequence: missense variant.
Genome position (GRCh38, 1-based): chr6:146,029,527, C>T. VCF-style: chr6-146029527-C-T. GRCh37 (hg19) VCF-style: chr6-146350663-C-T.
Other names: c.10C>T, p.Leu4Phe (NM_001278065.2, NM_001278066.1, NM_001278067.1); short protein forms L4F.
Identifiers: ClinVar variation 4822405 (VCV004822405.4).
Genomic context (GRCh38, chr6:146,029,527, plus strand): 5'-GGACCAGCGTGGGAACGCGGCTGGCAGGCTGTGGACCTCGTCCTCACCACCATGGTCGGG[C>T]TCCTTTTGTTTTTTTTCCCAGCGATCTTTTTGGAGGTGTCCCTTCTCCCCAGAAGCCCCG-3'
Protein context (NP_001264993.1, residues 1-14): MVG[Leu4Phe]LLFFFPAIFL